The following is an entry in ClinVar:

ClinVar aggregate classification (germline): Uncertain significance (1 of 4 stars; one submission).

Conditions:
Chédiak-Higashi syndrome (CHS). Also called: Chediak-Higashi Syndrome. Identifiers: Orphanet 167, MedGen C0007965, MONDO:0008963, OMIM 214500.

gnomAD v4.1: 7 of 1,614,012 alleles (0.00043%); highest among the groups gnomAD compares: East Asian, 0.013%; no homozygotes.

Submission:

Labcorp Genetics (formerly Invitae), Labcorp
Classification: Uncertain significance for Chédiak-Higashi syndrome. Last evaluated: 2025-01-23. Review status: criteria provided, single submitter. Criteria: Invitae Variant Classification Sherloc (09022015). Collection method: clinical testing. Allele origin: germline.
Comment: This sequence change replaces asparagine, which is neutral and polar, with serine, which is neutral and polar, at codon 899 of the LYST protein (p.Asn899Ser). This variant is present in population databases (rs774933834, gnomAD 0.03%). This variant has not been reported in the literature in individuals affected with LYST-related conditions. Invitae Evidence Modeling of protein sequence and biophysical properties (such as structural, functional, and spatial information, amino acid conservation, physicochemical variation, residue mobility, and thermodynamic stability) indicates that this missense variant is not expected to disrupt LYST protein function with a negative predictive value of 80%. In summary, the available evidence is currently insufficient to determine the role of this variant in disease. Therefore, it has been classified as a Variant of Uncertain Significance.

NM_000081.4(LYST):c.2696A>G (p.Asn899Ser)

Gene: LYST (lysosomal trafficking regulator; minus strand). Cytogenetic location: 1q42.3.
Variant type: single nucleotide variant.
Coding change: c.2696A>G on transcript NM_000081.4 (MANE Select); coding-DNA position 2696, A replaced by G.
Protein change: p.Asn899Ser; replaces asparagine 899 with serine.
Molecular consequence: missense variant.
Genome position (GRCh38, 1-based): chr1:235,806,440, T>C on the plus strand (A>G on the coding strand, the complement: LYST is on the minus strand). VCF-style: chr1-235806440-T-C. GRCh37 (hg19) VCF-style: chr1-235969740-T-C.
Other names: c.2696A>G, p.Asn899Ser (NM_001301365.1); short protein forms N899S.
Identifiers: ClinVar variation 3665332 (VCV003665332.2).